The following is an entry in ClinVar:

NM_003482.4(KMT2D):c.15922-2A>G

Gene: KMT2D (lysine methyltransferase 2D; minus strand). Cytogenetic location: 12q13.12.
Variant type: single nucleotide variant.
Coding change: c.15922-2A>G on transcript NM_003482.4 (MANE Select); the canonical splice acceptor site of the intron before coding-DNA position 15922, A replaced by G.
Molecular consequence: splice acceptor variant.
Genome position (GRCh38, 1-based): chr12:49,024,710, T>C on the plus strand (A>G on the coding strand, the complement: KMT2D is on the minus strand). VCF-style: chr12-49024710-T-C. GRCh37 (hg19) VCF-style: chr12-49418493-T-C.
Identifiers: ClinVar variation 1067064 (VCV001067064.7), dbSNP rs2137710791, ClinGen allele CA384682302.

ClinVar aggregate classification (germline): Likely pathogenic (1 of 4 stars; one submission).

Conditions:
Kabuki syndrome. Also called: Kabuki make-up syndrome; NIIKAWA-KUROKI SYNDROME. Identifiers: Orphanet 2322, MedGen C0796004, MONDO:0016512.

Submission:

Labcorp Genetics (formerly Invitae), Labcorp
Classification: Likely pathogenic for Kabuki syndrome. Last evaluated: 2020-04-08. Review status: criteria provided, single submitter. Criteria: Invitae Variant Classification Sherloc (09022015). Collection method: clinical testing. Allele origin: germline.
Comment: Algorithms developed to predict the effect of sequence changes on RNA splicing suggest that this variant may disrupt the consensus splice site, but this prediction has not been confirmed by published transcriptional studies. Donor and acceptor splice site variants typically lead to a loss of protein function (PMID: 16199547), and loss-of-function variants in KMT2D are known to be pathogenic (PMID: 22126750). In summary, the currently available evidence indicates that the variant is pathogenic, but additional data are needed to prove that conclusively. Therefore, this variant has been classified as Likely Pathogenic. This variant has not been reported in the literature in individuals with KMT2D-related conditions. This sequence change affects an acceptor splice site in intron 49 of the KMT2D gene. It is expected to disrupt RNA splicing and likely results in an absent or disrupted protein product. This variant is not present in population databases (ExAC no frequency).

Literature cited by the submitters: PubMed 16199547; PubMed 22126750.